The following is an entry in ClinVar:

ClinVar aggregate classification (germline): Uncertain significance. Review status: criteria provided, multiple submitters, no conflicts (2 of 4 stars). 5 submissions from 5 submitters: Uncertain significance (5). Last evaluated 2025-07-23.

Conditions:
Familial thoracic aortic aneurysm and aortic dissection (TAAD). Also called: Thoracic aortic aneurysms and dissections. Identifiers: Orphanet 91387, MedGen C4707243, MONDO:0019625.
Aortic aneurysm, familial thoracic 4 (AAT4). Also called: AORTIC ANEURYSM/AORTIC DISSECTION AND PATENT DUCTUS ARTERIOSUS. Identifiers: MedGen C1851504, MONDO:0007568, OMIM 132900.

Allele frequency attached by ClinVar (database versions not stated): gnomAD 0.00001; TOPMed 0.00001.
gnomAD v4.1: 8 of 1,613,704 alleles (0.0005%); highest among the groups gnomAD compares: Middle Eastern, 0.017%; no homozygotes.

Submissions (5):

Labcorp Genetics (formerly Invitae), Labcorp
Classification: Uncertain significance for Aortic aneurysm, familial thoracic 4. Last evaluated: 2025-07-23. Review status: criteria provided, single submitter. Criteria: Invitae Variant Classification Sherloc (09022015). Collection method: clinical testing. Allele origin: germline.
Comment: This sequence change replaces phenylalanine, which is neutral and non-polar, with leucine, which is neutral and non-polar, at codon 1583 of the MYH11 protein (p.Phe1583Leu). This variant is present in population databases (rs765435868, gnomAD 0.003%). This variant has not been reported in the literature in individuals affected with MYH11-related conditions. ClinVar contains an entry for this variant (Variation ID: 519938). Invitae Evidence Modeling of protein sequence and biophysical properties (such as structural, functional, and spatial information, amino acid conservation, physicochemical variation, residue mobility, and thermodynamic stability) indicates that this missense variant is not expected to disrupt MYH11 protein function with a negative predictive value of 95%. In summary, the available evidence is currently insufficient to determine the role of this variant in disease. Therefore, it has been classified as a Variant of Uncertain Significance.

Ambry Genetics
Classification: Uncertain significance for Familial thoracic aortic aneurysm and aortic dissection. Last evaluated: 2025-01-06. Review status: criteria provided, single submitter. Criteria: Ambry Variant Classification Scheme 2023. Collection method: clinical testing. Allele origin: germline.
Comment: The p.F1576L variant (also known as c.4728C>G), located in coding exon 32 of the MYH11 gene, results from a C to G substitution at nucleotide position 4728. The phenylalanine at codon 1576 is replaced by leucine, an amino acid with highly similar properties. Based on data from ExAC (Exome Aggregation Consortium), the G allele has an overall frequency less than 0.01% (2/106205). This variant was not reported in population based cohorts in the following databases: Database of Single Nucleotide Polymorphisms (dbSNP), NHLBI Exome Sequencing Project (ESP), and 1000 Genomes Project. In the ESP, this variant was not observed in 6497 samples (12994 alleles) with coverage at this position. This amino acid position is well conserved in available vertebrate species. In addition, this alteration is predicted to be tolerated by in silico analysis. Since supporting evidence is limited at this time, the clinical significance of this variant remains unclear.

Color Diagnostics, LLC DBA Color Health
Classification: Uncertain significance for Familial thoracic aortic aneurysm and aortic dissection. Last evaluated: 2024-03-06. Review status: criteria provided, single submitter. Criteria: ACMG Guidelines, 2015. Collection method: clinical testing. Allele origin: germline.
Comment: This missense variant replaces phenylalanine with leucine at codon 1583 of the MYH11 protein. Computational prediction suggests that this variant may not impact protein structure and function (internally defined REVEL score threshold <= 0.5, PMID: 27666373). To our knowledge, functional studies have not been reported for this variant. This variant has not been reported in individuals affected with MYH11-related disorders in the literature. This variant has been identified in 2/251472 chromosomes in the general population by the Genome Aggregation Database (gnomAD). The available evidence is insufficient to determine the role of this variant in disease conclusively. Therefore, this variant is classified as a Variant of Uncertain Significance.

GeneDx
Classification: Uncertain significance. Last evaluated: 2024-01-11. Review status: criteria provided, single submitter. Criteria: GeneDx Variant Classification Process June 2021. Collection method: clinical testing. Allele origin: germline. Affected: yes.
Comment: Not observed at significant frequency in large population cohorts (gnomAD); In silico analysis supports that this missense variant has a deleterious effect on protein structure/function; Has not been previously published as pathogenic or benign to our knowledge

All of Us Research Program, National Institutes of Health
Classification: Uncertain significance for Familial thoracic aortic aneurysm and aortic dissection. Last evaluated: 2023-10-27. Review status: criteria provided, single submitter. Criteria: ACMG Guidelines, 2015. Collection method: clinical testing. Allele origin: germline. Inheritance: Autosomal dominant inheritance. Observed: 1 variant allele, 1 heterozygote.
Comment: This missense variant replaces phenylalanine with leucine at codon 1583 of the MYH11 protein. Computational prediction suggests that this variant may not impact protein structure and function (internally defined REVEL score threshold <= 0.5, PMID: 27666373). To our knowledge, functional studies have not been reported for this variant. This variant has not been reported in individuals affected with cardiovascular disorders in the literature. This variant has been identified in 2/251472 chromosomes in the general population by the Genome Aggregation Database (gnomAD). The available evidence is insufficient to determine the role of this variant in disease conclusively. Therefore, this variant is classified as a Variant of Uncertain Significance.

This study involves interpretation of variants in research participants for the purpose of population health screening. Participant phenotype was not available at the time of variant classification. Additional details can be found in publication PMID: 35346344, PMCID: PMC8962531

NM_002474.3(MYH11):c.4728C>G (p.Phe1576Leu)

Genes: MYH11 (myosin heavy chain 11; minus strand), NDE1 (nudE neurodevelopment protein 1; plus strand). Cytogenetic location: 16p13.11.
Variant type: single nucleotide variant.
Coding change: c.4728C>G on transcript NM_002474.3 (MANE Select); coding-DNA position 4728, C replaced by G.
Protein change: p.Phe1576Leu; replaces phenylalanine 1576 with leucine.
Molecular consequence: missense variant. On other transcripts: intron variant (2).
Genome position (GRCh38, 1-based): chr16:15,720,902, G>C on the plus strand (C>G on the coding strand, the complement: MYH11 is on the minus strand). VCF-style: chr16-15720902-G-C. GRCh37 (hg19) VCF-style: chr16-15814759-G-C.
Other names: c.4749C>G, p.Phe1583Leu (NM_001040113.2, NM_001040114.2); c.4728C>G, p.Phe1576Leu (NM_022844.3); c.948-3289G>C (NM_001143979.2, NM_017668.3); short protein forms F1576L, F1583L.
Identifiers: ClinVar variation 519938 (VCV000519938.20), dbSNP rs765435868, ClinGen allele CA7921581.